The following is an entry in ClinVar:

NM_004380.3(CREBBP):c.3698G>A (p.Arg1233Lys)

Gene: CREBBP (CREB binding lysine acetyltransferase; minus strand). Cytogenetic location: 16p13.3.
Variant type: single nucleotide variant.
Coding change: c.3698G>A on transcript NM_004380.3 (MANE Select); coding-DNA position 3698, G replaced by A.
Protein change: p.Arg1233Lys; replaces arginine 1233 with lysine.
Molecular consequence: missense variant.
Genome position (GRCh38, 1-based): chr16:3,757,288, C>T on the plus strand (G>A on the coding strand, the complement: CREBBP is on the minus strand). VCF-style: chr16-3757288-C-T. GRCh37 (hg19) VCF-style: chr16-3807289-C-T.
Other names: c.3584G>A, p.Arg1195Lys (NM_001079846.1); short protein forms R1233K, R1195K.
Identifiers: ClinVar variation 374025 (VCV000374025.6), dbSNP rs1057518844, ClinGen allele CA16043514.
Genomic context (GRCh38, chr16:3,757,288, plus strand): 5'-TATAACCAGATGAACGTGCCTTGCCCTAAGACATAATGCAGGATGCTGCTTGACGCTTAC[C>T]TATTCTGATAGCTGTAGTAGGCAGCATCGCGAGGAATGGTACACAGCTGCTTCCCATAGC-3'
Protein context (NP_004371.2, residues 1223-1243): RDAAYYSYQN[Arg1233Lys]YHFCEKCFTE

ClinVar aggregate classification (germline): Pathogenic/Likely pathogenic. Review status: criteria provided, multiple submitters, no conflicts (2 of 4 stars). 3 submissions from 2 submitters: Pathogenic (1); Likely pathogenic (2). Last evaluated 2024-05-29.

Conditions:
Thumb deformity. Also called: Abnormality of the thumb; Thumb deformity (disease); Abnormal thumb morphology. Identifiers: MedGen C0575897, MONDO:0008561, OMIM 188100, HP:0001172.
Glaucoma. Identifiers: MedGen C0017601, MONDO:0005041, HP:0000501.
Rubinstein-Taybi syndrome (RSTS). Identifiers: Orphanet 783, MedGen C0035934, MONDO:0019188.
Rubinstein-Taybi syndrome due to CREBBP mutations (RSTS1). Also called: Rubinstein-Taybi syndrome 1; BROAD THUMB-HALLUX SYNDROME; BROAD THUMBS AND GREAT TOES, CHARACTERISTIC FACIES, AND IMPAIRED INTELLECTUAL DEVELOPMENT; RUBINSTEIN SYNDROME; RUBINSTEIN-TAYBI SYNDROME 1, INCOMPLETE; CREBBP-Related Rubinstein-Taybi Syndrome. Identifiers: Orphanet 353277, Orphanet 783, MedGen C4551859, MONDO:0008393, OMIM 180849.

Submissions (3):

Labcorp Genetics (formerly Invitae), Labcorp
Classification: Pathogenic for Rubinstein-Taybi syndrome. Last evaluated: 2024-05-29. Review status: criteria provided, single submitter. Criteria: Invitae Variant Classification Sherloc (09022015). Collection method: clinical testing. Allele origin: germline.
Comment: This sequence change replaces arginine, which is basic and polar, with lysine, which is basic and polar, at codon 1233 of the CREBBP protein (p.Arg1233Lys). This variant also falls at the last nucleotide of exon 19, which is part of the consensus splice site for this exon. This variant is not present in population databases (gnomAD no frequency). This missense change has been observed in individual(s) with clinical features of CREBBP-related conditions (Invitae). In at least one individual the variant was observed to be de novo. ClinVar contains an entry for this variant (Variation ID: 374025). Experimental studies and prediction algorithms are not available or were not evaluated, and the functional significance of this variant is currently unknown. Variants that disrupt the consensus splice site are a relatively common cause of aberrant splicing (PMID: 17576681, 9536098). For these reasons, this variant has been classified as Pathogenic.

Centre for Mendelian Genomics, University Medical Centre Ljubljana
Classification: Likely pathogenic for Rubinstein-Taybi syndrome due to CREBBP mutations. Last evaluated: 2016-01-01. Review status: criteria provided, single submitter. Criteria: ACMG Guidelines, 2015. Collection method: clinical testing. Allele origin: unknown. Affected: yes.
Comment: This variant was classified as: Likely pathogenic. This variant arose de novo in at least one reported proband.

Centre for Mendelian Genomics, University Medical Centre Ljubljana
Classification: Likely pathogenic for Thumb deformity; Glaucoma. Last evaluated: 2015-12-03. Review status: criteria provided, single submitter. Criteria: ACMG Guidelines, 2015. Collection method: clinical testing. Allele origin: unknown. Affected: yes.

Literature cited by the submitters: PubMed 17576681 (cited by Labcorp Genetics (formerly Invitae), Labcorp); PubMed 9536098 (cited by Labcorp Genetics (formerly Invitae), Labcorp).